The following is an entry in ClinVar:

ClinVar aggregate classification (germline): Pathogenic/Likely pathogenic. Review status: criteria provided, multiple submitters, no conflicts (2 of 4 stars). 2 submissions from 2 submitters: Pathogenic (1); Likely pathogenic (1). Last evaluated 2023-07-14.

Conditions:
NR2E3-related disorder. Also called: NR2E3-related condition; NR2E3-related disorders. Identifiers: MedGen CN239387.

Submissions (2):

Blueprint Genetics
Classification: Likely pathogenic for NR2E3-related disorders. Last evaluated: 2023-07-14. Review status: criteria provided, single submitter. Criteria: ACMG Guidelines, 2015. Collection method: clinical testing. Allele origin: germline. Affected: yes. Observed: 1 variant allele.

Labcorp Genetics (formerly Invitae), Labcorp
Classification: Pathogenic. Last evaluated: 2022-05-29. Review status: criteria provided, single submitter. Criteria: Invitae Variant Classification Sherloc (09022015). Collection method: clinical testing. Allele origin: germline.
Comment: For these reasons, this variant has been classified as Pathogenic. Algorithms developed to predict the effect of sequence changes on RNA splicing suggest that this variant may disrupt the consensus splice site. This variant has not been reported in the literature in individuals affected with NR2E3-related conditions. This variant is not present in population databases (gnomAD no frequency). This sequence change creates a premature translational stop signal (p.Gly40Alafs*2) in the NR2E3 gene. It is expected to result in an absent or disrupted protein product. Loss-of-function variants in NR2E3 are known to be pathogenic (PMID: 15459973, 27522502).

Literature cited by the submitters: PubMed 15459973 (cited by Labcorp Genetics (formerly Invitae), Labcorp); PubMed 27522502 (cited by Labcorp Genetics (formerly Invitae), Labcorp).

NC_000015.10:g.71811483del

Gene: NR2E3 (nuclear receptor subfamily 2 group E member 3; plus strand). Cytogenetic location: 15q23.
Variant type: Deletion.
Genome position: GRCh38 VCF-style: chr15-71811481-AG-A. GRCh37 (hg19) VCF-style: chr15-72103821-AG-A.
Identifiers: ClinVar variation 2000387 (VCV002000387.6), dbSNP rs2543253078, ClinGen allele CA2580089921.